The following is an entry in ClinVar:

NM_006059.4(LAMC3):c.2445C>T (p.Asn815=)

Gene: LAMC3 (laminin subunit gamma 3; plus strand). Cytogenetic location: 9q34.12.
Variant type: single nucleotide variant.
Coding change: c.2445C>T on transcript NM_006059.4 (MANE Select); coding-DNA position 2445, C replaced by T.
Protein change: p.Asn815=; no amino-acid change (asparagine 815 retained).
Molecular consequence: synonymous variant.
Genome position (GRCh38, 1-based): chr9:131,067,057, C>T. VCF-style: chr9-131067057-C-T. GRCh37 (hg19) VCF-style: chr9-133942444-C-T.
Identifiers: ClinVar variation 734154 (VCV000734154.11), dbSNP rs145571152, ClinGen allele CA5287436.

ClinVar aggregate classification (germline): Likely benign. Review status: criteria provided, single submitter (1 of 4 stars). 2 submissions from 2 submitters: Likely benign (1). 1 of the submissions does not count toward it. Last evaluated 2026-01-28.

Conditions:
LAMC3-related disorder. Also called: LAMC3-related condition.

Allele frequency attached by ClinVar (database versions not stated): gnomAD exomes 0.00006 and 0.00018; gnomAD 0.00066 and 0.00071; ESP Exome Variant Server 0.00077; 1000 Genomes Project 30x 0.00078; 1000 Genomes Project 0.00080; TOPMed 0.00100.
gnomAD v4.1: 197 of 1,614,116 alleles (0.012%); highest among the groups gnomAD compares: African/African-American, 0.2%; 1 homozygote.

Submissions (2):

Labcorp Genetics (formerly Invitae), Labcorp
Classification: Likely benign. Last evaluated: 2026-01-28. Review status: criteria provided, single submitter. Criteria: Invitae Variant Classification Sherloc (09022015). Collection method: clinical testing. Allele origin: germline.

PreventionGenetics, part of Exact Sciences
Classification: Likely benign for LAMC3-related condition. Last evaluated: 2019-04-15. Review status: no assertion criteria provided. Collection method: clinical testing. Allele origin: germline. Not counted in ClinVar's aggregate classification.
Comment: This variant is classified as likely benign based on ACMG/AMP sequence variant interpretation guidelines (Richards et al. 2015 PMID: 25741868, with internal and published modifications).